The following is an entry in ClinVar:

NM_001680.5(FXYD2):c.90C>T (p.Gly30=)

Genes: FXYD6-FXYD2 (FXYD6-FXYD2 readthrough; minus strand), FXYD2 (FXYD domain containing ion transport regulator 2; minus strand). Cytogenetic location: 11q23.3.
Variant type: single nucleotide variant.
Coding change: c.90C>T on transcript NM_001680.5 (MANE Select); coding-DNA position 90, C replaced by T.
Protein change: p.Gly30=; no amino-acid change (glycine 30 retained).
Molecular consequence: synonymous variant. On other transcripts: intron variant (1).
Genome position (GRCh38, 1-based): chr11:117,822,455, G>A on the plus strand (C>T on the coding strand, the complement: FXYD2 is on the minus strand). VCF-style: chr11-117822455-G-A. GRCh37 (hg19) VCF-style: chr11-117693170-G-A.
Other names: c.324C>T, p.Gly108= (NM_001204268.3); c.84C>T, p.Gly28= (NM_021603.4); c.311+224C>T (NM_001243598.4).
Identifiers: ClinVar variation 879279 (VCV000879279.9), dbSNP rs373687268, ClinGen allele CA6297815.

ClinVar aggregate classification (germline): Benign/Likely benign. Review status: criteria provided, multiple submitters, no conflicts (2 of 4 stars). 3 submissions from 3 submitters: Benign (2); Likely benign (1). Last evaluated 2025-09-01.

Conditions:
Renal hypomagnesemia 2 (HOMG2). Also called: MAGNESIUM LOSS, ISOLATED RENAL. Identifiers: Orphanet 34528, MedGen C1835171, MONDO:0007937, OMIM 154020.

Allele frequency attached by ClinVar (database versions not stated): gnomAD 0.00004 and 0.00005; TOPMed 0.00004; ESP Exome Variant Server 0.00008; ExAC 0.00013; gnomAD exomes 0.00016; 1000 Genomes Project 30x 0.00031; 1000 Genomes Project 0.00040.
gnomAD v4.1: 65 of 1,562,966 alleles (0.0042%); highest among the groups gnomAD compares: East Asian, 0.11%; no homozygotes.

Submissions (3):

Labcorp Genetics (formerly Invitae), Labcorp
Classification: Benign. Last evaluated: 2025-09-01. Review status: criteria provided, single submitter. Criteria: Invitae Variant Classification Sherloc (09022015). Collection method: clinical testing. Allele origin: germline.

Fulgent Genetics
Classification: Likely benign for Renal hypomagnesemia 2. Last evaluated: 2022-02-26. Review status: criteria provided, single submitter. Criteria: ACMG Guidelines, 2015. Collection method: clinical testing. Allele origin: unknown.

Illumina Laboratory Services, Illumina
Classification: Benign for Renal hypomagnesemia 2. Last evaluated: 2018-01-13. Review status: criteria provided, single submitter. Criteria: ICSL Variant Classification Criteria 13 December 2019. Collection method: clinical testing. Allele origin: germline.
Comment: This variant was observed in the ICSL laboratory as part of a predisposition screen in an ostensibly healthy population. It had not been previously curated by ICSL or reported in the Human Gene Mutation Database (HGMD: prior to June 1st, 2018), and was therefore a candidate for classification through an automated scoring system. Utilizing variant allele frequency, disease prevalence and penetrance estimates, and inheritance mode, an automated score was calculated to assess if this variant is too frequent to cause the disease. Based on the score and internal cut-off values, a variant classified as benign is not then subjected to further curation. The score for this variant resulted in a classification of benign for this disease.